The following is an entry in ClinVar:

NM_004415.4(DSP):c.5841T>A (p.Tyr1947Ter)

Gene: DSP (desmoplakin; plus strand). Cytogenetic location: 6p24.3.
Variant type: single nucleotide variant.
Coding change: c.5841T>A on transcript NM_004415.4 (MANE Select); coding-DNA position 5841, T replaced by A.
Protein change: p.Tyr1947Ter; replaces tyrosine 1947 with a stop codon.
Molecular consequence: nonsense.
Genome position (GRCh38, 1-based): chr6:7,583,103, T>A. VCF-style: chr6-7583103-T-A. GRCh37 (hg19) VCF-style: chr6-7583336-T-A.
Other names: c.4044T>A, p.Tyr1348Ter (NM_001008844.3); c.4512T>A, p.Tyr1504Ter (NM_001319034.2); short protein forms Y1348*, Y1504*, Y1947*.
Identifiers: ClinVar variation 4757498 (VCV004757498.1).

ClinVar aggregate classification (germline): Pathogenic (1 of 4 stars; one submission).

Conditions:
Cardiomyopathy (CMYO). Also called: Cardiomyopathies. Identifiers: Orphanet 167848, MedGen C0878544, MONDO:0004994, HP:0001638. Inheritance: Various modes of inheritance.

Submission:

Color Diagnostics, LLC DBA Color Health
Classification: Pathogenic for Cardiomyopathy. Last evaluated: 2025-07-02. Review status: criteria provided, single submitter. Criteria: ACMG Guidelines, 2015. Collection method: clinical testing. Allele origin: germline.
Comment: This variant changes 1 nucleotide in exon 24 of the DSP gene, creating a premature translation stop signal in the last coding exon. This variant is predicted to escape nonsense-mediated decay and be expressed as a truncated protein. This variant alters the plakin repeat domain A (a.a. 1960-2208), domain B (a.a. 2244-2446), domain C (a.a. 2609-2822), the linker regions between these domains, as well as amino acids at the C-terminal extremity of the protein have been reported to be essential for coalignment and binding of intermediate filaments (PMID: 12101406, 12802069, 21756917) and is expected to disrupt DSP protein function. To our knowledge, this variant has not been reported in individuals affected with DSP-related disorders in the literature. This variant has not been identified in the general population by the Genome Aggregation Database (gnomAD). Loss of DSP function is a known mechanism of disease. Based on the available evidence, this variant is classified as Pathogenic.

Literature cited by the submitters: PubMed 12101406; PubMed 12802069; PubMed 21756917.